The following is an entry in ClinVar:

NM_016122.3(CEP83):c.391A>G (p.Arg131Gly)

Gene: CEP83 (centrosomal protein 83; minus strand). Cytogenetic location: 12q22.
Variant type: single nucleotide variant.
Coding change: c.391A>G on transcript NM_016122.3 (MANE Select); coding-DNA position 391, A replaced by G.
Protein change: p.Arg131Gly; replaces arginine 131 with glycine.
Molecular consequence: missense variant. On other transcripts: non-coding transcript variant (3), intron variant (2).
Genome position (GRCh38, 1-based): chr12:94,403,196, T>C on the plus strand (A>G on the coding strand, the complement: CEP83 is on the minus strand). VCF-style: chr12-94403196-T-C. GRCh37 (hg19) VCF-style: chr12-94796972-T-C.
Other names: c.391A>G, p.Arg131Gly (NM_001042399.2, NM_001346457.2, NM_001346460.2 and 3 more transcripts); c.79A>G, p.Arg27Gly (NM_001346458.2, NM_001346459.2, NM_001346462.2 and 2 more transcripts); c.324+8501A>G (NM_001368041.1); c.12+8501A>G (NM_001368042.1); short protein forms R131G, R27G.
Identifiers: ClinVar variation 972522 (VCV000972522.10), dbSNP rs1207892286, ClinGen allele CA386143316.

ClinVar aggregate classification (germline): Uncertain significance (1 of 4 stars; one submission).

Conditions:
Nephronophthisis 18 (NPHP18). Identifiers: Orphanet 655, MedGen C3890591, MONDO:0014374, OMIM 615862.

Allele frequency attached by ClinVar (database versions not stated): TOPMed below 0.00001.
gnomAD v4.1: 1 of 1,579,492 alleles (0.000063%); highest among the groups gnomAD compares: African/African-American, 0.0013%; no homozygotes.

Submission:

Labcorp Genetics (formerly Invitae), Labcorp
Classification: Uncertain significance for Nephronophthisis 18. Last evaluated: 2022-01-12. Review status: criteria provided, single submitter. Criteria: Invitae Variant Classification Sherloc (09022015). Collection method: clinical testing. Allele origin: germline.
Comment: In summary, the available evidence is currently insufficient to determine the role of this variant in disease. Therefore, it has been classified as a Variant of Uncertain Significance. Algorithms developed to predict the effect of missense changes on protein structure and function are either unavailable or do not agree on the potential impact of this missense change (SIFT: "Not Available"; PolyPhen-2: "Possibly Damaging"; Align-GVGD: "Not Available"). This sequence change replaces arginine, which is basic and polar, with glycine, which is neutral and non-polar, at codon 131 of the CEP83 protein (p.Arg131Gly). This variant is not present in population databases (gnomAD no frequency). This variant has not been reported in the literature in individuals affected with CEP83-related conditions. ClinVar contains an entry for this variant (Variation ID: 972522).